The following is an entry in ClinVar:

ClinVar aggregate classification (germline): Likely pathogenic (0 of 4 stars; one submission).

Conditions:
Autosomal recessive nonsyndromic hearing loss 9. Also called: NEUROSENSORY NONSYNDROMIC RECESSIVE DEAFNESS 9; OTOF-Related Hearing Loss; Deafness, autosomal recessive 9; AUDITORY NEUROPATHY, AUTOSOMAL RECESSIVE, 1, TEMPERATURE-SENSITIVE. Identifiers: Orphanet 90636, MedGen C1832828, MONDO:0010986, OMIM 601071.

Submission:

Diagnosis and Treatment Center of Genetic Hearing Loss, Eye & ENT Hospital of Fudan University
Classification: Likely pathogenic for Autosomal recessive nonsyndromic hearing loss 9. Last evaluated: 2026-02-04. Review status: no assertion criteria provided. Collection method: clinical testing. Allele origin: germline. Inheritance: Autosomal recessive inheritance. Affected: yes.
Comment: PMID: 38056549The c.961-1G>A splice acceptor variant in OTOF was shown by minigene assay to cause exon 11 skipping (PVS1_supporting). It is absent from population databases (PM2_Supporting). (PM3_Strong). The phenotype is consistent with auditory neuropathy (PP4).

Literature cited by the submitters: PubMed 38056549.

NM_194248.3(OTOF):c.961-1G>A

Gene: OTOF (otoferlin; minus strand). Cytogenetic location: 2p23.3.
Variant type: single nucleotide variant.
Coding change: c.961-1G>A on transcript NM_194248.3 (MANE Select); the canonical splice acceptor site of the intron before coding-DNA position 961, G replaced by A.
Molecular consequence: splice acceptor variant.
Genome position (GRCh38, 1-based): chr2:26,489,296, C>T on the plus strand (G>A on the coding strand, the complement: OTOF is on the minus strand). VCF-style: chr2-26489296-C-T. GRCh37 (hg19) VCF-style: chr2-26712164-C-T.
Other names: c.961-1G>A (NM_001287489.2).
Identifiers: ClinVar variation 4879920 (VCV004879920.1).